The following is an entry in ClinVar:

NM_003742.4(ABCB11):c.2519T>G (p.Leu840Arg)

Gene: ABCB11 (ATP binding cassette subfamily B member 11; minus strand). Cytogenetic location: 2q31.1.
Variant type: single nucleotide variant.
Coding change: c.2519T>G on transcript NM_003742.4 (MANE Select); coding-DNA position 2519, T replaced by G.
Protein change: p.Leu840Arg; replaces leucine 840 with arginine.
Molecular consequence: missense variant.
Genome position (GRCh38, 1-based): chr2:168,944,696, A>C on the plus strand (T>G on the coding strand, the complement: ABCB11 is on the minus strand). VCF-style: chr2-168944696-A-C. GRCh37 (hg19) VCF-style: chr2-169801206-A-C.
Other names: short protein forms L840R.
Identifiers: ClinVar variation 2585168 (VCV002585168.1), dbSNP rs2545298260, ClinGen allele CA349126533.
Genomic context (GRCh38, chr2:168,944,696, plus strand): 5'-CTTGTTGTCAATGCTCCAGGGCTATTTCTGAGGTCATCAAACCAGGCAATATCTTGCCCC[A>C]GCATTGCCCTGAAACCAAATTTACGTAGCCTTTTTGTTAGGAGCTCCCCAGATTTAGCAA-3'
Protein context (NP_003733.2, residues 830-850): RLRKFGFRAM[Leu840Arg]GQDIAWFDDL

ClinVar aggregate classification (germline): Uncertain significance (1 of 4 stars; one submission).

Conditions:
Progressive familial intrahepatic cholestasis type 2. Identifiers: Orphanet 79304, MedGen C3489789, MONDO:0011156, OMIM 601847.

Submission:

Neuberg Centre For Genomic Medicine, NCGM
Classification: Uncertain significance for Progressive familial intrahepatic cholestasis type 2. Review status: criteria provided, single submitter. Criteria: ACMG Guidelines, 2015. Collection method: clinical testing. Allele origin: germline. Inheritance: Autosomal recessive inheritance. Affected: yes.
Comment: The missense variant in c.2519T>G(p.Leu840Arg) in ABCB11 gene has not been reported previously as a pathogenic variant nor as a benign variant, to our knowledge. The p.Leu840Arg variant is novel (not in any individuals) in gnomAD Exomes and 1000 Genomes. This variant has not been reported to the ClinVar database. The amino acid change p.Leu840Arg in ABCB11 is predicted as conserved by GERP++ and PhyloP across 100 vertebrates. The amino acid Leu at position 840 is changed to a Arg changing protein sequence and it might alter its composition and physico-chemical properties. For these reasons, this variant has been classified as Uncertain Significance (VUS).